The following is an entry in ClinVar:

ClinVar aggregate classification (germline): Likely benign (1 of 4 stars; one submission).

gnomAD v4.1: 686 of 1,613,404 alleles (0.043%); highest among the groups gnomAD compares: Middle Eastern, 0.23%; no homozygotes.

Submission:

CeGaT Center for Human Genetics Tuebingen
Classification: Likely benign. Last evaluated: 2025-01-01. Review status: criteria provided, single submitter. Criteria: CeGaT Center For Human Genetics Tuebingen Variant Classification Criteria Version 2. Collection method: clinical testing. Allele origin: germline. Affected: yes. Observed: 1 variant allele.
Comment: ANKRD17: BP4, BP7

NM_032217.5(ANKRD17):c.7170A>G (p.Ala2390=)

Gene: ANKRD17 (ankyrin repeat domain 17; minus strand). Cytogenetic location: 4q13.3.
Variant type: single nucleotide variant.
Coding change: c.7170A>G on transcript NM_032217.5 (MANE Select); coding-DNA position 7170, A replaced by G.
Protein change: p.Ala2390=; no amino-acid change (alanine 2390 retained).
Molecular consequence: synonymous variant.
Genome position (GRCh38, 1-based): chr4:73,078,880, T>C on the plus strand (A>G on the coding strand, the complement: ANKRD17 is on the minus strand). VCF-style: chr4-73078880-T-C. GRCh37 (hg19) VCF-style: chr4-73944597-T-C.
Other names: c.6831A>G, p.Ala2277= (NM_001286771.3); c.7167A>G, p.Ala2389= (NM_015574.2); c.6417A>G, p.Ala2139= (NM_198889.3).
Identifiers: ClinVar variation 3770581 (VCV003770581.13).
Genomic context (GRCh38, chr4:73,078,880, plus strand): 5'-CCCTAACGGTACTGATGATGGGGCAGGAGATGGTGCACGAACTCCCGAGGATACTGACTG[T>C]GCAGAAGAATCTAGAGAAGAGATATTTTGAAATAAAATACAGGTCATCTATAGAACATGT-3'
Protein context (NP_115593.3, residues 2380-2400): PCSSASNDSS[Ala2390=]QSVSSGVRAP